The following is an entry in ClinVar:

ClinVar aggregate classification (germline): Conflicting classifications of pathogenicity. Review status: criteria provided, conflicting classifications (1 of 4 stars). 3 submissions from 3 submitters: Uncertain significance (1); Benign (1); Likely benign (1). Last evaluated 2021-12-21.

Conditions:
Congenital fibrosis of extraocular muscles. Also called: Congenital Fibrosis of the Extraocular Muscles. Identifiers: Orphanet 45358, MedGen C1302995, MONDO:0007614, HP:0001491.
Inborn genetic diseases. Identifiers: MedGen C0950123, MeSH D030342.
Congenital fibrosis of extraocular muscles type 1. Also called: CFEOM3B; BLEPHAROPTOSIS WITH ABSENT EYE MOVEMENTS; OPHTHALMOPLEGIA, CONGENITAL; FEOM1 LOCUS. Identifiers: MedGen C1851102, MONDO:0021083, OMIM 135700.

Allele frequency attached by ClinVar (database versions not stated): gnomAD exomes 0.00009 and 0.00019; gnomAD 0.00012 and 0.00014; TOPMed 0.00016; ExAC 0.00014.
gnomAD v4.1: 156 of 1,610,994 alleles (0.0097%); highest among the groups gnomAD compares: Admixed American, 0.0067%; no homozygotes.

Submissions (3):

Ambry Genetics
Classification: Uncertain significance for Inborn genetic diseases. Last evaluated: 2021-12-21. Review status: criteria provided, single submitter. Criteria: Ambry Variant Classification Scheme 2023. Collection method: clinical testing. Allele origin: germline.

Department of Pathology and Laboratory Medicine, Sinai Health System
Classification: Likely benign for congenital fibrosis of extraocular muscles. Last evaluated: 2021-02-26. Review status: criteria provided, single submitter. Criteria: ACMG Guidelines, 2015. Collection method: research. Allele origin: germline.

Illumina Laboratory Services, Illumina
Classification: Benign for Congenital fibrosis of extraocular muscles type 1. Last evaluated: 2018-01-13. Review status: criteria provided, single submitter. Criteria: ICSL Variant Classification Criteria 13 December 2019. Collection method: clinical testing. Allele origin: germline.
Comment: This variant was observed in the ICSL laboratory as part of a predisposition screen in an ostensibly healthy population. It had not been previously curated by ICSL or reported in the Human Gene Mutation Database (HGMD: prior to June 1st, 2018), and was therefore a candidate for classification through an automated scoring system. Utilizing variant allele frequency, disease prevalence and penetrance estimates, and inheritance mode, an automated score was calculated to assess if this variant is too frequent to cause the disease. Based on the score and internal cut-off values, a variant classified as benign is not then subjected to further curation. The score for this variant resulted in a classification of benign for this disease.

NM_001173464.2(KIF21A):c.2305A>G (p.Thr769Ala)

Gene: KIF21A (kinesin family member 21A; minus strand). Cytogenetic location: 12q12.
Variant type: single nucleotide variant.
Coding change: c.2305A>G on transcript NM_001173464.2 (MANE Select); coding-DNA position 2305, A replaced by G.
Protein change: p.Thr769Ala; replaces threonine 769 with alanine.
Molecular consequence: missense variant.
Genome position (GRCh38, 1-based): chr12:39,340,170, T>C on the plus strand (A>G on the coding strand, the complement: KIF21A is on the minus strand). VCF-style: chr12-39340170-T-C. GRCh37 (hg19) VCF-style: chr12-39733972-T-C.
Other names: c.2266A>G, p.Thr756Ala (NM_001173463.2, NM_001173465.2, NM_017641.4); short protein forms T756A, T769A.
Identifiers: ClinVar variation 308574 (VCV000308574.7), dbSNP rs200645253, ClinGen allele CA6510851.